The following is an entry in ClinVar:

ClinVar aggregate classification (germline): Conflicting classifications of pathogenicity. Review status: criteria provided, conflicting classifications (1 of 4 stars). 3 submissions from 3 submitters: Uncertain significance (1); Benign (1); Likely benign (1). Last evaluated 2025-04-29.

Conditions:
Tuberous sclerosis syndrome (TSC). Also called: Tuberous Sclerosis Complex; Tuberous sclerosis. Identifiers: Orphanet 805, MedGen C0041341, MONDO:0001734.
Tuberous sclerosis 1 (TSC1). Identifiers: Orphanet 805, MedGen C1854465, MONDO:0008612, OMIM 191100.

Submissions (3):

Myriad Genetics, Inc.
Classification: Benign for Tuberous sclerosis 1. Last evaluated: 2025-04-29. Review status: criteria provided, single submitter. Criteria: Myriad Autosomal Dominant, Autosomal Recessive and X-Linked Classification Criteria (2023). Collection method: clinical testing. Allele origin: unknown.
Comment: This variant is considered benign. This variant is a silent/synonymous amino acid change and it is not expected to impact splicing.

Labcorp Genetics (formerly Invitae), Labcorp
Classification: Likely benign for Tuberous sclerosis 1. Last evaluated: 2023-11-24. Review status: criteria provided, single submitter. Criteria: Invitae Variant Classification Sherloc (09022015). Collection method: clinical testing. Allele origin: germline.

All of Us Research Program, National Institutes of Health
Classification: Uncertain significance for Tuberous sclerosis syndrome. Last evaluated: 2023-10-06. Review status: criteria provided, single submitter. Criteria: ACMG Guidelines, 2015. Collection method: clinical testing. Allele origin: germline. Inheritance: Autosomal dominant inheritance. Observed: 1 variant allele, 1 heterozygote.
Comment: This variant is located in the TSC1 protein. To our knowledge, functional studies have not been reported for this variant. This variant has not been reported in individuals affected with TSC1-related disorders in the literature. This variant has not been identified in the general population by the Genome Aggregation Database (gnomAD). The available evidence is insufficient to determine the role of this variant in disease conclusively. Therefore, this variant is classified as a Variant of Uncertain Significance.

This study involves interpretation of variants in research participants for the purpose of population health screening. Participant phenotype was not available at the time of variant classification. Additional details can be found in publication PMID: 35346344, PMCID: PMC8962531

NM_000368.5(TSC1):c.2722C>A (p.Arg908=)

Gene: TSC1 (TSC complex subunit 1; minus strand). Cytogenetic location: 9q34.13.
Variant type: single nucleotide variant.
Coding change: c.2722C>A on transcript NM_000368.5 (MANE Select); coding-DNA position 2722, C replaced by A.
Protein change: p.Arg908=; no amino-acid change (arginine 908 retained).
Molecular consequence: synonymous variant. On other transcripts: non-coding transcript variant (5).
Genome position (GRCh38, 1-based): chr9:132,897,514, G>T on the plus strand (C>A on the coding strand, the complement: TSC1 is on the minus strand). VCF-style: chr9-132897514-G-T. GRCh37 (hg19) VCF-style: chr9-135772901-G-T.
Other names: c.2719C>A, p.Arg907= (NM_001162426.2, NM_001406597.1, NM_001406598.1 and 2 more transcripts); c.2569C>A, p.Arg857= (NM_001162427.2, NM_001406610.1); c.2359C>A, p.Arg787= (NM_001362177.2, NM_001406614.1, NM_001406615.1 and 4 more transcripts); c.2722C>A, p.Arg908= (NM_001406592.1, NM_001406593.1, NM_001406594.1 and 2 more transcripts); c.2707C>A, p.Arg903= (NM_001406601.1, NM_001406602.1); c.2356C>A, p.Arg786= (NM_001406621.1, NM_001406622.1, NM_001406623.1 and 1 more transcripts); c.2317C>A, p.Arg773= (NM_001406624.1); c.2314C>A, p.Arg772= (NM_001406625.1); and 8 more.
Identifiers: ClinVar variation 2698548 (VCV002698548.5), dbSNP rs748845915, ClinGen allele CA467812828.